The following is an entry in ClinVar:

NM_006258.4(PRKG1):c.1663G>A (p.Asp555Asn)

Gene: PRKG1 (protein kinase cGMP-dependent 1; plus strand). Cytogenetic location: 10q21.1.
Variant type: single nucleotide variant.
Coding change: c.1663G>A on transcript NM_006258.4 (MANE Select); coding-DNA position 1663, G replaced by A.
Protein change: p.Asp555Asn; replaces aspartic acid 555 with asparagine.
Molecular consequence: missense variant.
Genome position (GRCh38, 1-based): chr10:52,282,270, G>A. VCF-style: chr10-52282270-G-A. GRCh37 (hg19) VCF-style: chr10-54042030-G-A.
Other names: c.1618G>A, p.Asp540Asn (NM_001098512.3); c.454G>A, p.Asp152Asn (NM_001374781.1); short protein forms D152N, D540N, D555N.
Identifiers: ClinVar variation 1339300 (VCV001339300.4), dbSNP rs773713867, ClinGen allele CA5503905.

ClinVar aggregate classification (germline): Uncertain significance. Review status: criteria provided, multiple submitters, no conflicts (2 of 4 stars). 2 submissions from 2 submitters: Uncertain significance (2). Last evaluated 2023-05-20.

Conditions:
Aortic aneurysm, familial thoracic 8 (AAT8). Identifiers: MedGen C3809513, MONDO:0014187, OMIM 615436.

Allele frequency attached by ClinVar (database versions not stated): gnomAD exomes below 0.00001 and 0.00001; ExAC 0.00001.
gnomAD v4.1: 1 of 1,609,898 alleles (0.000062%); highest among the groups gnomAD compares: Non-Finnish European, 0.000085%; no homozygotes.

Submissions (2):

Labcorp Genetics (formerly Invitae), Labcorp
Classification: Uncertain significance for Aortic aneurysm, familial thoracic 8. Last evaluated: 2023-05-20. Review status: criteria provided, single submitter. Criteria: Invitae Variant Classification Sherloc (09022015). Collection method: clinical testing. Allele origin: germline.
Comment: In summary, the available evidence is currently insufficient to determine the role of this variant in disease. Therefore, it has been classified as a Variant of Uncertain Significance. An algorithm developed to predict the effect of missense changes on protein structure and function (PolyPhen-2) suggests that this variant is likely to be disruptive. ClinVar contains an entry for this variant (Variation ID: 1339300). This variant has not been reported in the literature in individuals affected with PRKG1-related conditions. This variant is present in population databases (rs773713867, gnomAD 0.002%). This sequence change replaces aspartic acid, which is acidic and polar, with asparagine, which is neutral and polar, at codon 555 of the PRKG1 protein (p.Asp555Asn).

Phosphorus, Inc.
Classification: Uncertain significance. Last evaluated: 2022-01-16. Review status: criteria provided, single submitter. Criteria: ACMG Guidelines, 2015. Collection method: clinical testing. Allele origin: germline. Inheritance: Autosomal dominant inheritance.
Comment: This missense variant resulted in an amino acid substitution of aspartic acid with asparagine at codon 555 of the PRKG1 gene. The variant has occurred in GnomAD with a total MAF of 0.0008% and with the highest MAF of 0.0018% in the European population. This position is conserved. In silico functional algorithm predicted with Polyphen calling it probably damaging, and SIFT deleterious, but no functional studies were performed to confirm this prediction. This variant NM_006258.3(PRKG1): c.1663G>A (p.Asp555Asn) is not present in the ClinVar database. The variant has not occurred in the literature in the association with the disease. Considering that this is a rare variant, whose impact on protein and association with the disease are unknown, it has been classified as a Variant of Uncertain Significance.